The following is an entry in ClinVar:

NM_004415.4(DSP):c.2570G>A (p.Gly857Asp)

Gene: DSP (desmoplakin; plus strand). Cytogenetic location: 6p24.3.
Variant type: single nucleotide variant.
Coding change: c.2570G>A on transcript NM_004415.4 (MANE Select); coding-DNA position 2570, G replaced by A.
Protein change: p.Gly857Asp; replaces glycine 857 with aspartic acid.
Molecular consequence: missense variant.
Genome position (GRCh38, 1-based): chr6:7,575,428, G>A. VCF-style: chr6-7575428-G-A. GRCh37 (hg19) VCF-style: chr6-7575661-G-A.
Other names: c.2570G>A, p.Gly857Asp (NM_001008844.3, NM_001319034.2); short protein forms G857D.
Identifiers: ClinVar variation 1718748 (VCV001718748.6), dbSNP rs1428184343, ClinGen allele CA362681631.

ClinVar aggregate classification (germline): Uncertain significance (1 of 4 stars; one submission).

Conditions:
Arrhythmogenic cardiomyopathy with wooly hair and keratoderma. Also called: Carvajal syndrome; Dilated cardiomyopathy with woolly hair and keratoderma; Arrhythmogenic cardiomyopathy with woolly hair and keratoderma; PALMOPLANTAR KERATODERMA WITH LEFT VENTRICULAR CARDIOMYOPATHY AND WOOLLY HAIR. Identifiers: Orphanet 65282, MedGen C1854063, MONDO:0011581, OMIM 605676.
Arrhythmogenic right ventricular dysplasia 8 (ARVD8). Also called: ARRHYTHMOGENIC RIGHT VENTRICULAR DYSPLASIA, FAMILIAL, 8; ARRHYTHMOGENIC RIGHT VENTRICULAR CARDIOMYOPATHY 8; Arrhythmogenic Right Ventricular Dysplasia/Cardiomyopathy 8. Identifiers: MedGen C1843896, MONDO:0011831, OMIM 607450.

Submission:

Labcorp Genetics (formerly Invitae), Labcorp
Classification: Uncertain significance for Arrhythmogenic cardiomyopathy with wooly hair and keratoderma; Arrhythmogenic right ventricular dysplasia 8. Last evaluated: 2025-03-19. Review status: criteria provided, single submitter. Criteria: Invitae Variant Classification Sherloc (09022015). Collection method: clinical testing. Allele origin: germline.
Comment: This sequence change replaces glycine, which is neutral and non-polar, with aspartic acid, which is acidic and polar, at codon 857 of the DSP protein (p.Gly857Asp). This variant is not present in population databases (gnomAD no frequency). This variant has not been reported in the literature in individuals affected with DSP-related conditions. ClinVar contains an entry for this variant (Variation ID: 1718748). An algorithm developed to predict the effect of missense changes on protein structure and function (PolyPhen-2) suggests that this variant is likely to be tolerated. In summary, the available evidence is currently insufficient to determine the role of this variant in disease. Therefore, it has been classified as a Variant of Uncertain Significance.